The following is an entry in ClinVar:

NM_001110556.2(FLNA):c.5883C>G (p.Ser1961=)

Gene: FLNA (filamin A; minus strand). Cytogenetic location: Xq28.
Variant type: single nucleotide variant.
Coding change: c.5883C>G on transcript NM_001110556.2 (MANE Select); coding-DNA position 5883, C replaced by G.
Protein change: p.Ser1961=; no amino-acid change (serine 1961 retained).
Molecular consequence: synonymous variant.
Genome position (GRCh38, 1-based): chrX:154,353,435, G>C on the plus strand (C>G on the coding strand, the complement: FLNA is on the minus strand). VCF-style: chrX-154353435-G-C. GRCh37 (hg19) VCF-style: chrX-153581803-G-C.
Other names: c.5859C>G, p.Ser1953= (NM_001456.4).
Identifiers: ClinVar variation 2934035 (VCV002934035.3), dbSNP rs2522724194, ClinGen allele CA519706788.

ClinVar aggregate classification (germline): Uncertain significance (1 of 4 stars; one submission).

Conditions:
Oto-palato-digital syndrome, type II (OPD2). Also called: FACIOPALATOOSSEOUS SYNDROME; OPD II SYNDROME; Otopalatodigital Syndrome, Type II; Otopalatodigital Syndrome Type 2 (FLNA-OPD2). Identifiers: Orphanet 669, Orphanet 90652, MedGen C1844696, MONDO:0010571, OMIM 304120.
Heterotopia, periventricular, X-linked dominant (PVNH1). Also called: PERIVENTRICULAR NODULAR HETEROTOPIA 1; X-linked periventricular heterotopia; PERIVENTRICULAR NODULAR HETEROTOPIA 4; HETEROTOPIA, PERIVENTRICULAR, 1. Identifiers: Orphanet 2149, Orphanet 82004, MedGen C1848213, MONDO:0010233, OMIM 300049.
Frontometaphyseal dysplasia (FMD1). Identifiers: Orphanet 1826, MedGen C0265293, MONDO:0015942.
Melnick-Needles syndrome (MNS). Also called: MELNICK-NEEDLES OSTEODYSPLASTY; OSTEODYSPLASTY OF MELNICK AND NEEDLES; Melnick-Needles Syndrome (FLNA-MNS). Identifiers: Orphanet 2484, MedGen C0025237, MONDO:0010650, OMIM 309350.

Submission:

Labcorp Genetics (formerly Invitae), Labcorp
Classification: Uncertain significance for Oto-palato-digital syndrome, type II; Heterotopia, periventricular, X-linked dominant; Frontometaphyseal dysplasia; Melnick-Needles syndrome. Last evaluated: 2023-05-15. Review status: criteria provided, single submitter. Criteria: Invitae Variant Classification Sherloc (09022015). Collection method: clinical testing. Allele origin: germline.
Comment: In summary, the available evidence is currently insufficient to determine the role of this variant in disease. Therefore, it has been classified as a Variant of Uncertain Significance. Algorithms developed to predict the effect of sequence changes on RNA splicing suggest that this variant may disrupt the consensus splice site. This variant has not been reported in the literature in individuals affected with FLNA-related conditions. This variant is not present in population databases (gnomAD no frequency). This sequence change affects codon 1953 of the FLNA mRNA. It is a 'silent' change, meaning that it does not change the encoded amino acid sequence of the FLNA protein.